The following is an entry in ClinVar:

ClinVar aggregate classification (germline): Uncertain significance (1 of 4 stars; one submission).

Allele frequency attached by ClinVar (database versions not stated): gnomAD exomes below 0.00001; gnomAD 0.00001; TOPMed 0.00002.
gnomAD v4.1: 2 of 1,586,368 alleles (0.00013%); highest among the groups gnomAD compares: Admixed American, 0.0017%; no homozygotes.

Submission:

Labcorp Genetics (formerly Invitae), Labcorp
Classification: Uncertain significance. Last evaluated: 2021-12-08. Review status: criteria provided, single submitter. Criteria: Invitae Variant Classification Sherloc (09022015). Collection method: clinical testing. Allele origin: germline.
Comment: This sequence change replaces threonine, which is neutral and polar, with asparagine, which is neutral and polar, at codon 411 of the LOXL3 protein (p.Thr411Asn). This variant is present in population databases (no rsID available, gnomAD 0.003%). This variant has not been reported in the literature in individuals affected with LOXL3-related conditions. Algorithms developed to predict the effect of missense changes on protein structure and function (SIFT, PolyPhen-2, Align-GVGD) all suggest that this variant is likely to be tolerated. In summary, the available evidence is currently insufficient to determine the role of this variant in disease. Therefore, it has been classified as a Variant of Uncertain Significance.

NM_032603.5(LOXL3):c.1232C>A (p.Thr411Asn)

Gene: LOXL3 (lysyl oxidase like 3; minus strand). Cytogenetic location: 2p13.1.
Variant type: single nucleotide variant.
Coding change: c.1232C>A on transcript NM_032603.5 (MANE Select); coding-DNA position 1232, C replaced by A.
Protein change: p.Thr411Asn; replaces threonine 411 with asparagine.
Molecular consequence: missense variant.
Genome position (GRCh38, 1-based): chr2:74,536,012, G>T on the plus strand (C>A on the coding strand, the complement: LOXL3 is on the minus strand). VCF-style: chr2-74536012-G-T. GRCh37 (hg19) VCF-style: chr2-74763139-G-T.
Other names: c.797C>A, p.Thr266Asn (NM_001289164.3); c.149C>A, p.Thr50Asn (NM_001289165.2); short protein forms T266N, T50N, T411N.
Identifiers: ClinVar variation 1498496 (VCV001498496.3), dbSNP rs1026411131, ClinGen allele CA50492063.